The following is an entry in ClinVar:

ClinVar aggregate classification (germline): Conflicting classifications of pathogenicity. Review status: criteria provided, conflicting classifications (1 of 4 stars). 2 submissions from 2 submitters: Uncertain significance (1); Likely benign (1). Last evaluated 2026-04-16.

Conditions:
Hereditary cancer-predisposing syndrome. Also called: Tumor predisposition; Neoplastic Syndromes, Hereditary; Hereditary Cancer Syndrome; Hereditary neoplastic syndrome. Identifiers: Orphanet 140162, MedGen C0027672, MeSH D009386, MONDO:0015356.
Cardiovascular phenotype. Identifiers: MedGen CN230736.
Neurofibromatosis, type 1 (NF1). Also called: NEUROFIBROMATOSIS, TYPE I, SOMATIC; Peripheral type neurofibromatosis; VON RECKLINGHAUSEN DISEASE; Neurofibromatosis, type I. Identifiers: Orphanet 636, MedGen C0027831, MONDO:0018975, OMIM 162200. Disease mechanism: loss of function.

Submissions (2):

Ambry Genetics
Classification: Likely benign for Cardiovascular phenotype; Hereditary cancer-predisposing syndrome. Last evaluated: 2026-04-16. Review status: criteria provided, single submitter. Criteria: Ambry Variant Classification Scheme 2023. Collection method: clinical testing. Allele origin: germline.

Labcorp Genetics (formerly Invitae), Labcorp
Classification: Uncertain significance for Neurofibromatosis, type 1. Last evaluated: 2022-08-09. Review status: criteria provided, single submitter. Criteria: Invitae Variant Classification Sherloc (09022015). Collection method: clinical testing. Allele origin: germline.
Comment: In summary, the available evidence is currently insufficient to determine the role of this variant in disease. Therefore, it has been classified as a Variant of Uncertain Significance. Advanced modeling of protein sequence and biophysical properties (such as structural, functional, and spatial information, amino acid conservation, physicochemical variation, residue mobility, and thermodynamic stability) performed at Invitae indicates that this missense variant is not expected to disrupt NF1 protein function. ClinVar contains an entry for this variant (Variation ID: 1462590). This variant has not been reported in the literature in individuals affected with NF1-related conditions. This variant is not present in population databases (gnomAD no frequency). This sequence change replaces aspartic acid, which is acidic and polar, with asparagine, which is neutral and polar, at codon 2585 of the NF1 protein (p.Asp2585Asn).

NM_001042492.3(NF1):c.7816G>A (p.Asp2606Asn)

Gene: NF1 (neurofibromin 1; plus strand). Cytogenetic location: 17q11.2.
Variant type: single nucleotide variant.
Coding change: c.7816G>A on transcript NM_001042492.3 (MANE Select); coding-DNA position 7816, G replaced by A.
Protein change: p.Asp2606Asn; replaces aspartic acid 2606 with asparagine.
Molecular consequence: missense variant.
Genome position (GRCh38, 1-based): chr17:31,357,037, G>A. VCF-style: chr17-31357037-G-A. GRCh37 (hg19) VCF-style: chr17-29684055-G-A.
Other names: c.7753G>A, p.Asp2585Asn (NM_000267.4); short protein forms D2585N, D2606N.
Identifiers: ClinVar variation 1462590 (VCV001462590.12), dbSNP rs2151582401, ClinGen allele CA399018552.